The following is an entry in ClinVar:

ClinVar aggregate classification (germline): Uncertain significance (1 of 4 stars; one submission).

Conditions:
Primary familial hypertrophic cardiomyopathy (HCM). Identifiers: Orphanet 99739, MedGen C0949658, MeSH D024741, MONDO:0024573. Inheritance: Various modes of inheritance.

gnomAD v4.1: 10 of 1,614,018 alleles (0.00062%); highest among the groups gnomAD compares: Non-Finnish European, 0.00085%; no homozygotes.

Submission:

Labcorp Genetics (formerly Invitae), Labcorp
Classification: Uncertain significance for Primary familial hypertrophic cardiomyopathy. Last evaluated: 2024-10-27. Review status: criteria provided, single submitter. Criteria: Invitae Variant Classification Sherloc (09022015). Collection method: clinical testing. Allele origin: germline.
Comment: This sequence change replaces arginine, which is basic and polar, with leucine, which is neutral and non-polar, at codon 65 of the ILK protein (p.Arg65Leu). This variant is present in population databases (rs761544290, gnomAD 0.002%). This variant has not been reported in the literature in individuals affected with ILK-related conditions. An algorithm developed to predict the effect of missense changes on protein structure and function (PolyPhen-2) suggests that this variant is likely to be tolerated. In summary, the available evidence is currently insufficient to determine the role of this variant in disease. Therefore, it has been classified as a Variant of Uncertain Significance.

NM_004517.4(ILK):c.194G>T (p.Arg65Leu)

Genes: ILK (integrin linked kinase; plus strand), TAF10 (TATA-box binding protein associated factor 10; minus strand). Cytogenetic location: 11p15.4.
Variant type: single nucleotide variant.
Coding change: c.194G>T on transcript NM_004517.4 (MANE Select); coding-DNA position 194, G replaced by T.
Protein change: p.Arg65Leu; replaces arginine 65 with leucine.
Molecular consequence: missense variant. On other transcripts: 3 prime UTR variant (1), intron variant (1).
Genome position (GRCh38, 1-based): chr11:6,608,150, G>T. VCF-style: chr11-6608150-G-T. GRCh37 (hg19) VCF-style: chr11-6629380-G-T.
Other names: c.194G>T, p.Arg65Leu (NM_001014794.3, NM_001014795.3, NM_001278441.2); c.*2772C>A (NM_006284.4); c.-147-244G>T (NM_001278442.2); short protein forms R65L.
Identifiers: ClinVar variation 3709986 (VCV003709986.2).